The following is an entry in ClinVar:

NM_004863.4(SPTLC2):c.*4131G>A

Gene: SPTLC2 (serine palmitoyltransferase long chain base subunit 2; minus strand). Cytogenetic location: 14q24.3.
Variant type: single nucleotide variant.
Coding change: c.*4131G>A on transcript NM_004863.4 (MANE Select); 4131 bases downstream of the stop codon, G replaced by A.
Molecular consequence: 3 prime UTR variant.
Genome position (GRCh38, 1-based): chr14:77,508,153, C>T on the plus strand (G>A on the coding strand, the complement: SPTLC2 is on the minus strand). VCF-style: chr14-77508153-C-T. GRCh37 (hg19) VCF-style: chr14-77974496-C-T.
Identifiers: ClinVar variation 314593 (VCV000314593.5), dbSNP rs45577834, ClinGen allele CA10646350.

ClinVar aggregate classification (germline): Benign (1 of 4 stars; one submission).

Conditions:
Neuropathy, hereditary sensory and autonomic, type 1C. Also called: HSAN IC; HSN IC. Identifiers: Orphanet 36386, MedGen C3150896, MONDO:0013337, OMIM 613640.

Allele frequency attached by ClinVar (database versions not stated): gnomAD 0.00151 and 0.00215; TOPMed 0.00196; 1000 Genomes Project 0.00579; 1000 Genomes Project 30x 0.00593.

Submission:

Illumina Laboratory Services, Illumina
Classification: Benign for Neuropathy, hereditary sensory and autonomic, type 1C. Last evaluated: 2018-01-13. Review status: criteria provided, single submitter. Criteria: ICSL Variant Classification Criteria 13 December 2019. Collection method: clinical testing. Allele origin: germline.
Comment: This variant was observed in the ICSL laboratory as part of a predisposition screen in an ostensibly healthy population. It had not been previously curated by ICSL or reported in the Human Gene Mutation Database (HGMD: prior to June 1st, 2018), and was therefore a candidate for classification through an automated scoring system. Utilizing variant allele frequency, disease prevalence and penetrance estimates, and inheritance mode, an automated score was calculated to assess if this variant is too frequent to cause the disease. Based on the score and internal cut-off values, a variant classified as benign is not then subjected to further curation. The score for this variant resulted in a classification of benign for this disease.